The following is an entry in ClinVar:

ClinVar aggregate classification (germline): Uncertain significance (1 of 4 stars; one submission).

Conditions:
Familial hypocalciuric hypercalcemia (FHH). Also called: Familial benign hypercalcemia. Identifiers: Orphanet 405, MedGen C1809471, MONDO:0018458.
Autosomal dominant hypocalcemia 1 (HYPOC1). Also called: HYPOCALCEMIA, FAMILIAL. Identifiers: MedGen C3715128, MONDO:0011013, OMIM 601198.

Submission:

Labcorp Genetics (formerly Invitae), Labcorp
Classification: Uncertain significance for Familial hypocalciuric hypercalcemia; Autosomal dominant hypocalcemia 1. Last evaluated: 2025-07-22. Review status: criteria provided, single submitter. Criteria: Invitae Variant Classification Sherloc (09022015). Collection method: clinical testing. Allele origin: germline.
Comment: This sequence change replaces arginine, which is basic and polar, with glycine, which is neutral and non-polar, at codon 795 of the CASR protein (p.Arg795Gly). This variant is not present in population databases (gnomAD no frequency). This missense change has been observed in individual(s) with clinical features of CASR-related conditions (internal data). ClinVar contains an entry for this variant (Variation ID: 1391466). An algorithm developed to predict the effect of missense changes on protein structure and function (PolyPhen-2) suggests that this variant is likely to be disruptive. This variant disrupts the p.Arg795 amino acid residue in CASR. Other variant(s) that disrupt this residue have been determined to be pathogenic (PMID: 7916660, 9422777, 11102444, 11889203, 12095982, 12114500, 17284438, 19389809, 21239511). This suggests that this residue is clinically significant, and that variants that disrupt this residue are likely to be disease-causing. In summary, the available evidence is currently insufficient to determine the role of this variant in disease. Therefore, it has been classified as a Variant of Uncertain Significance.

Literature cited by the submitters: PubMed 7916660; PubMed 9422777; PubMed 11102444; PubMed 11889203; PubMed 12095982; PubMed 12114500; PubMed 17284438; PubMed 19389809; PubMed 21239511.

NM_000388.4(CASR):c.2383C>G (p.Arg795Gly)

Gene: CASR (calcium sensing receptor; plus strand). Cytogenetic location: 3q21.1.
Variant type: single nucleotide variant.
Coding change: c.2383C>G on transcript NM_000388.4 (MANE Select); coding-DNA position 2383, C replaced by G.
Protein change: p.Arg795Gly; replaces arginine 795 with glycine.
Molecular consequence: missense variant.
Genome position (GRCh38, 1-based): chr3:122,284,337, C>G. VCF-style: chr3-122284337-C-G. GRCh37 (hg19) VCF-style: chr3-122003184-C-G.
Other names: c.2413C>G, p.Arg805Gly (NM_001178065.2); short protein forms R805G, R795G.
Identifiers: ClinVar variation 1391466 (VCV001391466.6), dbSNP rs121909258, ClinGen allele CA354159678.
Genomic context (GRCh38, chr3:122,284,337, plus strand): 5'-TTCCTGATCGGCTACACCTGCCTGCTGGCTGCCATCTGCTTCTTCTTTGCCTTCAAGTCC[C>G]GGAAGCTGCCGGAGAACTTCAATGAAGCCAAGTTCATCACCTTCAGCATGCTCATCTTCT-3'
Protein context (NP_000379.3, residues 785-805): AICFFFAFKS[Arg795Gly]KLPENFNEAK